The following is an entry in ClinVar:

NM_001563.4(IMPG1):c.667-6del

Gene: IMPG1 (interphotoreceptor matrix proteoglycan 1; minus strand). Cytogenetic location: 6q14.1.
Variant type: Deletion.
Coding change: c.667-6del on transcript NM_001563.4 (MANE Select); 6 bases into the intron before coding-DNA position 667, one base deleted (A; older notation c.667-6delA).
Molecular consequence: intron variant.
Genome position (GRCh38, 1-based): chr6:76,018,864, T deleted on the plus strand (A on the coding strand, the reverse complement: IMPG1 is on the minus strand); the first of 3 consecutive T bases (chr6:76,018,864-76,018,866); deleting any one gives the same sequence. VCF-style (leftmost placement, unchanged base first): chr6-76018863-GT-G. GRCh37 (hg19) VCF-style: chr6-76728580-GT-G.
Other names: c.433-6del (NM_001282368.2); c.667-6delA (NM_001563.3).
Identifiers: ClinVar variation 4703966 (VCV004703966.2).

ClinVar aggregate classification (germline): Likely benign. Review status: criteria provided, multiple submitters, no conflicts (2 of 4 stars). 2 submissions from 2 submitters: Likely benign (2). Last evaluated 2025-02-27.

Conditions:
IMPG1-related disorder. Also called: IMPG1-related condition.

Submissions (2):

Labcorp Genetics (formerly Invitae), Labcorp
Classification: Likely benign. Last evaluated: 2025-02-27. Review status: criteria provided, single submitter. Criteria: Invitae Variant Classification Sherloc (09022015). Collection method: clinical testing. Allele origin: germline.

PreventionGenetics, part of Exact Sciences
Classification: Likely benign for IMPG1-related condition. Last evaluated: 2024-11-03. Review status: criteria provided, single submitter. Criteria: ACMG Guidelines, 2015. Collection method: clinical testing. Allele origin: germline.
Comment: This variant is classified as likely benign based on ACMG/AMP sequence variant interpretation guidelines (Richards et al. 2015 PMID: 25741868, with internal and published modifications).